The following is an entry in ClinVar:

ClinVar aggregate classification (germline): Conflicting classifications of pathogenicity. Review status: criteria provided, conflicting classifications (1 of 4 stars). 5 submissions from 5 submitters: Pathogenic (1); Uncertain significance (4). Last evaluated 2026-04-01.

Conditions:
Axial spondylometaphyseal dysplasia. Also called: AXIAL SMD. Identifiers: Orphanet 168549, MedGen C1865695, MONDO:0011211, OMIM 602271.
CFAP410-related disorder. Also called: CFAP410-related condition.
C21ORF2 & CFAP410-related disorders.

Allele frequency attached by ClinVar (database versions not stated): TOPMed below 0.00001; gnomAD 0.00001; gnomAD exomes 0.00002; ExAC 0.00003.
gnomAD v4.1: 59 of 1,612,796 alleles (0.0037%); highest among the groups gnomAD compares: South Asian, 0.012%; no homozygotes.

Submissions (5):

Department of Genetics, Sultan Qaboos University Hospital
Classification: Uncertain significance for Axial spondylometaphyseal dysplasia. Last evaluated: 2026-04-01. Review status: criteria provided, single submitter. Criteria: ACMG Guidelines, 2015. Collection method: clinical testing. Allele origin: germline. Affected: yes. Observed: 1 variant allele.
Comment: PP1_Moderate, PM2_Supporting

PreventionGenetics, part of Exact Sciences
Classification: Uncertain significance for CFAP410-related condition. Last evaluated: 2025-06-18. Review status: criteria provided, single submitter. Criteria: ACMG Guidelines, 2015. Collection method: clinical testing. Allele origin: germline.
Comment: The CFAP410 c.209G>A variant is predicted to result in the amino acid substitution p.Arg70Gln. This variant has been reported in the homozygous state in an individual with cone rod dystrophy (Table S1, Hayman et al. 2024. PubMed ID: 37798099). This variant is present in 0.013% of alleles in individuals of South Asian descent in gnomAD. Although we suspect that this variant may be pathogenic, at this time, the clinical significance of this variant is uncertain due to the absence of conclusive functional and genetic evidence.

Blueprint Genetics
Classification: Pathogenic for C21ORF2 & CFAP410-related disorders. Last evaluated: 2024-08-28. Review status: criteria provided, single submitter. Criteria: ACMG Guidelines, 2015. Collection method: clinical testing. Allele origin: germline. Affected: yes. Observed: 5 variant alleles.

Labcorp Genetics (formerly Invitae), Labcorp
Classification: Uncertain significance. Last evaluated: 2022-07-26. Review status: criteria provided, single submitter. Criteria: Invitae Variant Classification Sherloc (09022015). Collection method: clinical testing. Allele origin: germline.
Comment: This sequence change replaces arginine, which is basic and polar, with glutamine, which is neutral and polar, at codon 70 of the CFAP410 protein (p.Arg70Gln). This variant is present in population databases (rs771024688, gnomAD 0.01%). This variant has not been reported in the literature in individuals affected with CFAP410-related conditions. ClinVar contains an entry for this variant (Variation ID: 858756). Algorithms developed to predict the effect of missense changes on protein structure and function (SIFT, PolyPhen-2, Align-GVGD) all suggest that this variant is likely to be disruptive. Algorithms developed to predict the effect of sequence changes on RNA splicing suggest that this variant may create or strengthen a splice site. In summary, the available evidence is currently insufficient to determine the role of this variant in disease. Therefore, it has been classified as a Variant of Uncertain Significance.

GeneDx
Classification: Uncertain significance. Last evaluated: 2019-07-10. Review status: criteria provided, single submitter. Criteria: GeneDx Variant Classification Process June 2021. Collection method: clinical testing. Allele origin: germline. Affected: yes.
Comment: In silico analysis, which includes protein predictors and evolutionary conservation, supports a deleterious effect; Has not been previously published as pathogenic or benign to our knowledge

NM_004928.3(CFAP410):c.209G>A (p.Arg70Gln)

Gene: CFAP410 (cilia and flagella associated protein 410; minus strand). Cytogenetic location: 21q22.3.
Variant type: single nucleotide variant.
Coding change: c.209G>A on transcript NM_004928.3 (MANE Select); coding-DNA position 209, G replaced by A.
Protein change: p.Arg70Gln; replaces arginine 70 with glutamine.
Molecular consequence: missense variant.
Genome position (GRCh38, 1-based): chr21:44,333,197, C>T on the plus strand (G>A on the coding strand, the complement: CFAP410 is on the minus strand). VCF-style: chr21-44333197-C-T. GRCh37 (hg19) VCF-style: chr21-45753080-C-T.
Other names: c.209G>A, p.Arg70Gln (NM_001271440.2, NM_001271441.2); c.86G>A, p.Arg29Gln (NM_001271442.1); short protein forms R70Q, R29Q.
Identifiers: ClinVar variation 858756 (VCV000858756.12), dbSNP rs771024688, ClinGen allele CA10053762.
Genomic context (GRCh38, chr21:44,333,197, plus strand): 5'-CGCAGACGCGGCAGCCCCTTCAGGTAGAAGAGCTCAGCCAGGCTGGGGATGCGGTTCCTC[C>T]GCAGGTACAGCTCACTCAGGCGCTGGCACCGGCTCACAGGCTCCAGGGTGGAGATGCTGT-3'
Protein context (NP_004919.1, residues 60-80): RCQRLSELYL[Arg70Gln]RNRIPSLAEL